The following is an entry in ClinVar:

NM_002180.3(IGHMBP2):c.2132G>C (p.Ser711Thr)

Gene: IGHMBP2 (immunoglobulin mu DNA binding protein 2; plus strand). Cytogenetic location: 11q13.3.
Variant type: single nucleotide variant.
Coding change: c.2132G>C on transcript NM_002180.3 (MANE Select); coding-DNA position 2132, G replaced by C.
Protein change: p.Ser711Thr; replaces serine 711 with threonine.
Molecular consequence: missense variant.
Genome position (GRCh38, 1-based): chr11:68,936,612, G>C. VCF-style: chr11-68936612-G-C. GRCh37 (hg19) VCF-style: chr11-68704080-G-C.
Other names: short protein forms S711T.
Identifiers: ClinVar variation 2053756 (VCV002053756.4), dbSNP rs755607086, ClinGen allele CA223413379.

ClinVar aggregate classification (germline): Uncertain significance (1 of 4 stars; one submission).

Conditions:
Charcot-Marie-Tooth disease axonal type 2S. Also called: CHARCOT-MARIE-TOOTH DISEASE, AXONAL, AUTOSOMAL RECESSIVE, TYPE 2S; CHARCOT-MARIE-TOOTH NEUROPATHY, TYPE 2S. Identifiers: Orphanet 443073, MedGen C4015349, MONDO:0014511, OMIM 616155.
Autosomal recessive distal spinal muscular atrophy 1. Also called: SEVERE INFANTILE AXONAL NEUROPATHY WITH RESPIRATORY FAILURE; SPINAL MUSCULAR ATROPHY, DIAPHRAGMATIC; Spinal muscular atrophy with respiratory distress 1; HMN VI; NEURONOPATHY, SEVERE INFANTILE AXONAL, WITH RESPIRATORY FAILURE; NEURONOPATHY, DISTAL HEREDITARY MOTOR, HARDING TYPE VI. Identifiers: Orphanet 98920, MedGen C1858517, MONDO:0011436, OMIM 604320.

gnomAD v4.1: 1 of 1,613,578 alleles (0.000062%); highest among the groups gnomAD compares: Non-Finnish European, 0.000085%; no homozygotes.

Submission:

Labcorp Genetics (formerly Invitae), Labcorp
Classification: Uncertain significance for Autosomal recessive distal spinal muscular atrophy 1; Charcot-Marie-Tooth disease axonal type 2S. Last evaluated: 2022-11-08. Review status: criteria provided, single submitter. Criteria: Invitae Variant Classification Sherloc (09022015). Collection method: clinical testing. Allele origin: germline.
Comment: Advanced modeling of protein sequence and biophysical properties (such as structural, functional, and spatial information, amino acid conservation, physicochemical variation, residue mobility, and thermodynamic stability) performed at Invitae indicates that this missense variant is not expected to disrupt IGHMBP2 protein function. This variant has not been reported in the literature in individuals affected with IGHMBP2-related conditions. This variant is not present in population databases (gnomAD no frequency). This sequence change replaces serine, which is neutral and polar, with threonine, which is neutral and polar, at codon 711 of the IGHMBP2 protein (p.Ser711Thr). In summary, the available evidence is currently insufficient to determine the role of this variant in disease. Therefore, it has been classified as a Variant of Uncertain Significance.